The following is an entry in ClinVar:

NM_004360.5(CDH1):c.1679C>A (p.Thr560Lys)

Gene: CDH1 (cadherin 1; plus strand). Cytogenetic location: 16q22.1.
Variant type: single nucleotide variant.
Coding change: c.1679C>A on transcript NM_004360.5 (MANE Select); coding-DNA position 1679, C replaced by A.
Protein change: p.Thr560Lys; replaces threonine 560 with lysine.
Molecular consequence: missense variant. On other transcripts: intron variant (1).
Genome position (GRCh38, 1-based): chr16:68,819,393, C>A. VCF-style: chr16-68819393-C-A. GRCh37 (hg19) VCF-style: chr16-68853296-C-A.
Other names: c.1496C>A, p.Thr499Lys (NM_001317184.2); c.131C>A, p.Thr44Lys (NM_001317185.2); c.-254-2608C>A (NM_001317186.2); short protein forms T44K, T499K, T560K.
Identifiers: ClinVar variation 1043223 (VCV001043223.9), dbSNP rs746481984, ClinGen allele CA396465351.

ClinVar aggregate classification (germline): Uncertain significance (1 of 4 stars; one submission).

Conditions:
Hereditary diffuse gastric adenocarcinoma (HDGC). Also called: DIFFUSE GASTRIC AND LOBULAR BREAST CANCER SYNDROME. Identifiers: Orphanet 26106, MedGen C1708349, MONDO:0007648, OMIM 137215.

gnomAD v4.1: 1 of 1,613,820 alleles (0.000062%); no homozygotes.

Submission:

Labcorp Genetics (formerly Invitae), Labcorp
Classification: Uncertain significance for Hereditary diffuse gastric adenocarcinoma. Last evaluated: 2023-09-01. Review status: criteria provided, single submitter. Criteria: Invitae Variant Classification Sherloc (09022015). Collection method: clinical testing. Allele origin: germline.
Comment: This sequence change replaces threonine, which is neutral and polar, with lysine, which is basic and polar, at codon 560 of the CDH1 protein (p.Thr560Lys). This variant is not present in population databases (gnomAD no frequency). This variant has not been reported in the literature in individuals affected with CDH1-related conditions. ClinVar contains an entry for this variant (Variation ID: 1043223). An algorithm developed to predict the effect of missense changes on protein structure and function (PolyPhen-2) suggests that this variant is likely to be disruptive. In summary, the available evidence is currently insufficient to determine the role of this variant in disease. Therefore, it has been classified as a Variant of Uncertain Significance.